The following is an entry in ClinVar:

ClinVar aggregate classification (germline): Pathogenic (1 of 4 stars; one submission).

Conditions:
Spastic paraplegia. Identifiers: MedGen C0037772, HP:0001258.

Submission:

Labcorp Genetics (formerly Invitae), Labcorp
Classification: Pathogenic for Spastic paraplegia. Last evaluated: 2025-06-24. Review status: criteria provided, single submitter. Criteria: Invitae Variant Classification Sherloc (09022015). Collection method: clinical testing. Allele origin: germline.
Comment: This sequence change creates a premature translational stop signal (p.Gln205*) in the ZFYVE26 gene. It is expected to result in an absent or disrupted protein product. Loss-of-function variants in ZFYVE26 are known to be pathogenic (PMID: 18394578, 19805727). This variant is not present in population databases (gnomAD no frequency). This variant has not been reported in the literature in individuals affected with ZFYVE26-related conditions. For these reasons, this variant has been classified as Pathogenic.

Literature cited by the submitters: PubMed 18394578; PubMed 19805727.

NM_015346.4(ZFYVE26):c.613C>T (p.Gln205Ter)

Gene: ZFYVE26 (zinc finger FYVE-type containing 26; minus strand). Cytogenetic location: 14q24.1.
Variant type: single nucleotide variant.
Coding change: c.613C>T on transcript NM_015346.4 (MANE Select); coding-DNA position 613, C replaced by T.
Protein change: p.Gln205Ter; replaces glutamine 205 with a stop codon.
Molecular consequence: nonsense.
Genome position (GRCh38, 1-based): chr14:67,807,671, G>A on the plus strand (C>T on the coding strand, the complement: ZFYVE26 is on the minus strand). VCF-style: chr14-67807671-G-A. GRCh37 (hg19) VCF-style: chr14-68274388-G-A.
Other names: short protein forms Q205*.
Identifiers: ClinVar variation 4722115 (VCV004722115.1).